The following is an entry in ClinVar:

ClinVar aggregate classification (germline): Pathogenic. Review status: criteria provided, multiple submitters, no conflicts (2 of 4 stars). 2 submissions from 2 submitters: Pathogenic (2). Last evaluated 2024-11-11.

Conditions:
Seizure. Also called: Seizures. Identifiers: MedGen C0036572, HP:0001250.
Generalized epilepsy with febrile seizures plus, type 2 (GEFSP2). Also called: GEFS+, TYPE 2. Identifiers: Orphanet 36387, MedGen C1858673, MONDO:0011461, OMIM 604403.

Submissions (2):

3billion
Classification: Pathogenic for Generalized epilepsy with febrile seizures plus, type 2. Last evaluated: 2024-11-11. Review status: criteria provided, single submitter. Criteria: ACMG Guidelines, 2015. Collection method: clinical testing. Allele origin: germline. Affected: yes.
Comment: The variant is not observed in the gnomAD v4.1.0 dataset. Predicted Consequence/Location: Stop-gained (nonsense): predicted to result in a loss or disruption of normal protein function through nonsense-mediated decay (NMD) or protein truncation. Multiple pathogenic variants are reported downstream of the variant. The variant has been reported to be associated with SCN1A-related disorder (ClinVar ID: VCV003235103 /PMID: 18930999). Therefore, this variant is classified as Pathogenic according to the recommendation of ACMG/AMP guideline.

Cytogénomique, Hospices Civils de Lyon
Classification: Pathogenic for Seizures. Last evaluated: 2024-03-11. Review status: criteria provided, single submitter. Criteria: ACMG Guidelines, 2015. Collection method: clinical testing. Allele origin: maternal. Affected: yes. Observed: 1 variant allele, 1 compound heterozygote.

Literature cited by the submitters: PubMed 18930999 (cited by 3billion).

NM_001165963.4(SCN1A):c.1492A>T (p.Arg498Ter)

Gene: SCN1A (sodium voltage-gated channel alpha subunit 1; minus strand). Cytogenetic location: 2q24.3.
Variant type: single nucleotide variant.
Coding change: c.1492A>T on transcript NM_001165963.4 (MANE Select); coding-DNA position 1492, A replaced by T.
Protein change: p.Arg498Ter; replaces arginine 498 with a stop codon.
Molecular consequence: nonsense. On other transcripts: 5 prime UTR variant (1), non-coding transcript variant (1).
Genome position (GRCh38, 1-based): chr2:166,045,213, T>A on the plus strand (A>T on the coding strand, the complement: SCN1A is on the minus strand). VCF-style: chr2-166045213-T-A. GRCh37 (hg19) VCF-style: chr2-166901723-T-A.
Other names: c.1492A>T, p.Arg498Ter (NM_001165964.3, NM_001202435.3, NM_001353948.2 and 7 more transcripts); c.1489A>T, p.Arg497Ter (NM_001353954.2, NM_001353955.2, NM_001353960.2); c.-934A>T (NM_001353961.2); short protein forms R497*, R498*.
Identifiers: ClinVar variation 3235103 (VCV003235103.3), dbSNP rs1553545704, ClinGen allele CA349069614.